The following is an entry in ClinVar:

NM_031471.6(FERMT3):c.1747G>A (p.Asp583Asn)

Gene: FERMT3 (FERM domain containing kindlin 3; plus strand). Cytogenetic location: 11q13.1.
Variant type: single nucleotide variant.
Coding change: c.1747G>A on transcript NM_031471.6 (MANE Select); coding-DNA position 1747, G replaced by A.
Protein change: p.Asp583Asn; replaces aspartic acid 583 with asparagine.
Molecular consequence: missense variant.
Genome position (GRCh38, 1-based): chr11:64,223,124, G>A. VCF-style: chr11-64223124-G-A. GRCh37 (hg19) VCF-style: chr11-63990596-G-A.
Other names: c.1747G>A, p.Asp583Asn (NM_001382361.1, NM_001382448.1); c.1759G>A, p.Asp587Asn (NM_001382362.1, NM_178443.3); c.1207G>A, p.Asp403Asn (NM_001382363.1); c.1219G>A, p.Asp407Asn (NM_001382364.1); c.1747G>A (NM_031471.5); short protein forms D583N, D403N, D407N, D587N.
Identifiers: ClinVar variation 2901873 (VCV002901873.3), dbSNP rs772113837, ClinGen allele CA223848040.
Genomic context (GRCh38, chr11:64,223,124, plus strand): 5'-AAAGACGAGATCCTGGGCATCGCCAACAACCGACTGATCCGCATCGACTTGGCCGTGGGC[G>A]ACGTGGTCAAGACCTGGCGTTTCAGCAACATGCGCCAGTGGAATGTCAACTGGGACATCC-3'
Protein context (NP_113659.3, residues 573-593): RLIRIDLAVG[Asp583Asn]VVKTWRFSNM

ClinVar aggregate classification (germline): Uncertain significance. Review status: criteria provided, multiple submitters, no conflicts (2 of 4 stars). 2 submissions from 2 submitters: Uncertain significance (2). Last evaluated 2024-11-20.

Conditions:
Leukocyte adhesion deficiency 3. Also called: Leukocyte adhesion deficiency, type III; INTEGRIN ACTIVATION DEFICIENCY DISEASE; LEUKOCYTE ADHESION DEFICIENCY 1 VARIANT. Identifiers: Orphanet 2968, Orphanet 99844, MedGen C2748536, MONDO:0013016, OMIM 612840.
Inborn genetic diseases. Identifiers: MedGen C0950123, MeSH D030342.

Allele frequency attached by ClinVar (database versions not stated): gnomAD exomes 0.00001; gnomAD 0.00003; TOPMed 0.00003.
gnomAD v4.1: 16 of 1,613,818 alleles (0.00099%); highest among the groups gnomAD compares: Middle Eastern, 0.016%; no homozygotes.

Submissions (2):

Ambry Genetics
Classification: Uncertain significance for Inborn genetic diseases. Last evaluated: 2024-11-20. Review status: criteria provided, single submitter. Criteria: Ambry Variant Classification Scheme 2023. Collection method: clinical testing. Allele origin: germline.

Labcorp Genetics (formerly Invitae), Labcorp
Classification: Uncertain significance for Leukocyte adhesion deficiency 3. Last evaluated: 2023-03-08. Review status: criteria provided, single submitter. Criteria: Invitae Variant Classification Sherloc (09022015). Collection method: clinical testing. Allele origin: germline.
Comment: This sequence change replaces aspartic acid, which is acidic and polar, with asparagine, which is neutral and polar, at codon 583 of the FERMT3 protein (p.Asp583Asn). This variant is not present in population databases (gnomAD no frequency). This variant has not been reported in the literature in individuals affected with FERMT3-related conditions. Advanced modeling of protein sequence and biophysical properties (such as structural, functional, and spatial information, amino acid conservation, physicochemical variation, residue mobility, and thermodynamic stability) performed at Invitae indicates that this missense variant is not expected to disrupt FERMT3 protein function. In summary, the available evidence is currently insufficient to determine the role of this variant in disease. Therefore, it has been classified as a Variant of Uncertain Significance.